The following is an entry in ClinVar:

NM_015404.4(WHRN):c.1265dup (p.Arg423fs)

Gene: WHRN (whirlin; minus strand). Cytogenetic location: 9q32.
Variant type: Duplication.
Coding change: c.1265dup on transcript NM_015404.4 (MANE Select); coding-DNA position 1265, one base duplicated (C; older notation c.1265dupC).
Protein change: p.Arg423fs; shifts the reading frame from arginine 423.
Molecular consequence: frameshift variant.
Genome position (GRCh38, 1-based): chr9:114,424,485, G duplicated on the plus strand (C on the coding strand, the reverse complement: WHRN is on the minus strand). VCF-style (leftmost placement, unchanged base first): chr9-114424484-T-TG. GRCh37 (hg19) VCF-style: chr9-117186764-T-TG.
Other names: c.116dup, p.Arg40fs (NM_001083885.3); c.1265dup, p.Arg423fs (NM_001173425.2); c.212dup, p.Arg72fs (NM_001346890.1); short protein forms R423fs, R72fs, R40fs.
Identifiers: ClinVar variation 2033148 (VCV002033148.4), dbSNP rs2491808618, ClinGen allele CA2580079473.

ClinVar aggregate classification (germline): Pathogenic (1 of 4 stars; one submission).

Submission:

Labcorp Genetics (formerly Invitae), Labcorp
Classification: Pathogenic. Last evaluated: 2024-09-29. Review status: criteria provided, single submitter. Criteria: Invitae Variant Classification Sherloc (09022015). Collection method: clinical testing. Allele origin: germline.
Comment: This sequence change creates a premature translational stop signal (p.Arg423Thrfs*26) in the WHRN gene. It is expected to result in an absent or disrupted protein product. Loss-of-function variants in WHRN are known to be pathogenic (PMID: 12833159, 15841483, 22147658). This variant is not present in population databases (gnomAD no frequency). This variant has not been reported in the literature in individuals affected with WHRN-related conditions. ClinVar contains an entry for this variant (Variation ID: 2033148). For these reasons, this variant has been classified as Pathogenic.

Literature cited by the submitters: PubMed 12833159; PubMed 15841483; PubMed 22147658.